The following is an entry in ClinVar:

NM_002224.4(ITPR3):c.2666T>C (p.Leu889Pro)

Gene: ITPR3 (inositol 1,4,5-trisphosphate receptor type 3; plus strand). Cytogenetic location: 6p21.31.
Variant type: single nucleotide variant.
Coding change: c.2666T>C on transcript NM_002224.4 (MANE Select); coding-DNA position 2666, T replaced by C.
Protein change: p.Leu889Pro; replaces leucine 889 with proline.
Molecular consequence: missense variant.
Genome position (GRCh38, 1-based): chr6:33,671,244, T>C. VCF-style: chr6-33671244-T-C. GRCh37 (hg19) VCF-style: chr6-33639021-T-C.
Other names: short protein forms L889P.
Identifiers: ClinVar variation 5018949 (VCV005018949.2).

ClinVar aggregate classification (germline): Uncertain significance (1 of 4 stars; one submission).

Conditions:
Immunodeficiency 133 with ectodermal dysplasia with or without peripheral neuropathy. Identifiers: MedGen C6012744, MONDO:0979570, OMIM 621254.
Charcot-Marie-Tooth disease, demyelinating, type 1J. Also called: CHARCOT-MARIE-TOOTH NEUROPATHY, DEMYELINATING, TYPE 1J. Identifiers: MedGen C5774249, MONDO:0859311, OMIM 620111.

Submission:

Juno Genomics, Hangzhou Juno Genomics, Inc
Classification: Uncertain significance for Charcot-Marie-Tooth disease, demyelinating, type 1J; Immunodeficiency 133 with ectodermal dysplasia with or without peripheral neuropathy. Review status: criteria provided, single submitter. Criteria: ACMG Guidelines, 2015. Collection method: clinical testing. Allele origin: germline.
Comment: Absent from controls (or at extremely low frequency if recessive) in Genome Aggregation Database.;Missense variant in a gene that has a low rate of benign missense variation.;Multiple lines of computational evidence support a deleterious effect on the gene or gene product.